The following is an entry in ClinVar:

ClinVar aggregate classification (germline): Pathogenic (1 of 4 stars; one submission).

Conditions:
FEZF2-related neurodevelopmental disorder. Identifiers: MedGen CN380228, MONDO:0700369.

Submission:

GeneDx
Classification: Pathogenic. Last evaluated: 2024-09-21. Review status: criteria provided, single submitter. Criteria: GeneDx Variant Classification Process June 2021. Collection method: clinical testing. Allele origin: germline. Affected: yes.
Comment: Nonsense variant predicted to result in protein truncation or nonsense mediated decay in a gene for which loss of function is a known mechanism of disease; Not observed at significant frequency in large population cohorts (gnomAD); Has not been previously published as pathogenic or benign to our knowledge

NM_018008.4(FEZF2):c.1014C>A (p.Cys338Ter)

Gene: FEZF2 (FEZ family zinc finger 2; minus strand). Cytogenetic location: 3p14.2.
Variant type: single nucleotide variant.
Coding change: c.1014C>A on transcript NM_018008.4 (MANE Select); coding-DNA position 1014, C replaced by A.
Protein change: p.Cys338Ter; replaces cysteine 338 with a stop codon.
Molecular consequence: nonsense.
Genome position (GRCh38, 1-based): chr3:62,371,323, G>T on the plus strand (C>A on the coding strand, the complement: FEZF2 is on the minus strand). VCF-style: chr3-62371323-G-T. GRCh37 (hg19) VCF-style: chr3-62356998-G-T.
Other names: short protein forms C338*.
Identifiers: ClinVar variation 3774179 (VCV003774179.2).
Genomic context (GRCh38, chr3:62,371,323, plus strand): 5'-GTAGCCCGCGTGGATGCGGATATGCGTGTTGAGCGTGGAGCTGCGGTTGAACGCTTTGCC[G>T]CACTGGTTGCATTTATGTGGCTTTTCCTGAGGAAAGGGGCGAGTGCACAGTAAGGAGAGG-3'